The following is an entry in ClinVar:

ClinVar aggregate classification (germline): Likely pathogenic (1 of 4 stars; one submission).

Conditions:
Ataxia-telangiectasia syndrome (AT). Also called: Cerebello-oculocutaneous telangiectasia; Immunodeficiency with ataxia telangiectasia; Ataxia-telangiectasia; AT, COMPLEMENTATION GROUP C; Ataxia telangiectasia (A-T); LOUIS-BAR SYNDROME. Identifiers: Orphanet 100, MedGen C0004135, MONDO:0008840, OMIM 208900.

Submission:

Labcorp Genetics (formerly Invitae), Labcorp
Classification: Likely pathogenic for Ataxia-telangiectasia syndrome. Last evaluated: 2021-07-06. Review status: criteria provided, single submitter. Criteria: Invitae Variant Classification Sherloc (09022015). Collection method: clinical testing. Allele origin: germline.
Comment: This variant is a gross deletion of the genomic region encompassing exon(s) 30-34 of the ATM gene. This variant would be expected to be in-frame, preserving the integrity of the reading frame. A similar copy number variant has been observed in individual(s) with ataxia-telangiectasia (PMID: 16941484). In at least one individual the data is consistent with the variant being in trans (on the opposite chromosome) from a pathogenic variant. This variant is also known as deletion of exons 32-36. In summary, the currently available evidence indicates that the variant is pathogenic, but additional data are needed to prove that conclusively. Therefore, this variant has been classified as Likely Pathogenic.

Literature cited by the submitters: PubMed 16941484.

NC_000011.9:g.(?_108163336)_(108170622_?)del

Gene: ATM (ATM serine/threonine kinase; plus strand). Cytogenetic location: 11q22.3.
Variant type: Deletion.
Identifiers: ClinVar variation 2422233 (VCV002422233.3).